The following is an entry in ClinVar:

NM_000057.4(BLM):c.2329A>G (p.Ile777Val)

Gene: BLM (BLM RecQ like helicase; plus strand). Cytogenetic location: 15q26.1.
Variant type: single nucleotide variant.
Coding change: c.2329A>G on transcript NM_000057.4 (MANE Select); coding-DNA position 2329, A replaced by G.
Protein change: p.Ile777Val; replaces isoleucine 777 with valine.
Molecular consequence: missense variant.
Genome position (GRCh38, 1-based): chr15:90,769,154, A>G. VCF-style: chr15-90769154-A-G. GRCh37 (hg19) VCF-style: chr15-91312384-A-G.
Other names: c.2329A>G, p.Ile777Val (NM_001287246.2, NM_001287247.2); c.1204A>G, p.Ile402Val (NM_001287248.2); short protein forms I402V, I777V.
Identifiers: ClinVar variation 821107 (VCV000821107.15), dbSNP rs764097842, ClinGen allele CA7738733.

ClinVar aggregate classification (germline): Uncertain significance. Review status: criteria provided, multiple submitters, no conflicts (2 of 4 stars). 4 submissions from 4 submitters: Uncertain significance (3). 1 of the submissions does not count toward it. Last evaluated 2025-08-29.

Conditions:
Hereditary cancer-predisposing syndrome. Also called: Neoplastic Syndromes, Hereditary; Tumor predisposition; Hereditary Cancer Syndrome; Hereditary neoplastic syndrome. Identifiers: Orphanet 140162, MedGen C0027672, MeSH D009386, MONDO:0015356.
Bloom syndrome (BLM). Also called: Bloom-Torre-Machacek syndrome. Identifiers: Orphanet 125, MedGen C0005859, MONDO:0008876, OMIM 210900.

Allele frequency attached by ClinVar (database versions not stated): gnomAD exomes below 0.00001; ExAC 0.00001.
gnomAD v4.1: 1 of 1,613,136 alleles (0.000062%); highest among the groups gnomAD compares: Non-Finnish European, 0.000085%; no homozygotes.

Submissions (4):

Ambry Genetics
Classification: Uncertain significance for Hereditary cancer-predisposing syndrome. Last evaluated: 2025-08-29. Review status: criteria provided, single submitter. Criteria: Ambry Variant Classification Scheme 2023. Collection method: clinical testing. Allele origin: germline.
Comment: The p.I777V variant (also known as c.2329A>G), located in coding exon 10 of the BLM gene, results from an A to G substitution at nucleotide position 2329. The isoleucine at codon 777 is replaced by valine, an amino acid with highly similar properties. This amino acid position is well conserved in available vertebrate species. In addition, this alteration is predicted to be tolerated by in silico analysis. Since supporting evidence is limited at this time, the clinical significance of this alteration remains unclear.

Labcorp Genetics (formerly Invitae), Labcorp
Classification: Uncertain significance for Bloom syndrome. Last evaluated: 2024-10-31. Review status: criteria provided, single submitter. Criteria: Invitae Variant Classification Sherloc (09022015). Collection method: clinical testing. Allele origin: germline.
Comment: This sequence change replaces isoleucine, which is neutral and non-polar, with valine, which is neutral and non-polar, at codon 777 of the BLM protein (p.Ile777Val). This variant is present in population databases (rs764097842, gnomAD 0.0009%). This variant has not been reported in the literature in individuals affected with BLM-related conditions. ClinVar contains an entry for this variant (Variation ID: 821107). Invitae Evidence Modeling of protein sequence and biophysical properties (such as structural, functional, and spatial information, amino acid conservation, physicochemical variation, residue mobility, and thermodynamic stability) indicates that this missense variant is not expected to disrupt BLM protein function with a negative predictive value of 80%. In summary, the available evidence is currently insufficient to determine the role of this variant in disease. Therefore, it has been classified as a Variant of Uncertain Significance.

Baylor Genetics
Classification: Uncertain significance for Bloom syndrome. Last evaluated: 2019-07-17. Review status: criteria provided, single submitter. Criteria: ACMG Guidelines, 2015. Collection method: clinical testing. Allele origin: unknown. Affected: yes. Study: CSER-TexasKidsCanSeq.
Comment: This variant was determined to be of uncertain significance according to ACMG Guidelines, 2015 [PMID:25741868].

Natera, Inc.
Classification: Uncertain significance for Bloom syndrome. Last evaluated: 2020-09-16. Review status: no assertion criteria provided. Collection method: clinical testing. Allele origin: germline. Not counted in ClinVar's aggregate classification.